The following is an entry in ClinVar:

NM_006767.4(LZTR1):c.1614A>G (p.Lys538=)

Gene: LZTR1 (leucine zipper like post translational regulator 1; plus strand). Cytogenetic location: 22q11.21.
Variant type: single nucleotide variant.
Coding change: c.1614A>G on transcript NM_006767.4 (MANE Select); coding-DNA position 1614, A replaced by G.
Protein change: p.Lys538=; no amino-acid change (lysine 538 retained).
Molecular consequence: synonymous variant.
Genome position (GRCh38, 1-based): chr22:20,994,268, A>G. VCF-style: chr22-20994268-A-G. GRCh37 (hg19) VCF-style: chr22-21348557-A-G.
Identifiers: ClinVar variation 3238112 (VCV003238112.10), dbSNP rs2147967487.

ClinVar aggregate classification (germline): Conflicting classifications of pathogenicity. Review status: criteria provided, conflicting classifications (1 of 4 stars). 4 submissions from 4 submitters: Pathogenic (1); Uncertain significance (3). Last evaluated 2026-04-22.

Conditions:
Paediatric disorders.
Cardiovascular phenotype. Identifiers: MedGen CN230736.
Hereditary cancer-predisposing syndrome. Also called: Neoplastic Syndromes, Hereditary; Tumor predisposition; Hereditary Cancer Syndrome; Hereditary neoplastic syndrome. Identifiers: Orphanet 140162, MedGen C0027672, MeSH D009386, MONDO:0015356.

Allele frequency attached by ClinVar (database versions not stated): gnomAD exomes below 0.00001.
gnomAD v4.1: 2 of 1,597,594 alleles (0.00013%); highest among the groups gnomAD compares: South Asian, 0.0011%; no homozygotes.

Submissions (4):

NHS Central & South Genomic Laboratory Hub
Classification: Pathogenic for Paediatric disorders. Last evaluated: 2026-04-22. Review status: criteria provided, single submitter. Criteria: ACMG Guidelines, 2015. Collection method: clinical testing. Allele origin: germline. Affected: yes.

CeGaT Center for Human Genetics Tuebingen
Classification: Uncertain significance. Last evaluated: 2025-09-01. Review status: criteria provided, single submitter. Criteria: CeGaT Center For Human Genetics Tuebingen Variant Classification Criteria Version 2. Collection method: clinical testing. Allele origin: germline. Affected: yes. Observed: 1 variant allele.
Comment: LZTR1: PM2:Supporting, PP3, PP4

Labcorp Genetics (formerly Invitae), Labcorp
Classification: Uncertain significance. Last evaluated: 2025-05-13. Review status: criteria provided, single submitter. Criteria: Invitae Variant Classification Sherloc (09022015). Collection method: clinical testing. Allele origin: germline.
Comment: This sequence change affects codon 538 of the LZTR1 mRNA. It is a 'silent' change, meaning that it does not change the encoded amino acid sequence of the LZTR1 protein. It affects a nucleotide within the consensus splice site. This variant is not present in population databases (gnomAD no frequency). This variant has not been reported in the literature in individuals affected with LZTR1-related conditions. ClinVar contains an entry for this variant (Variation ID: 3238112). Algorithms developed to predict the effect of sequence changes on RNA splicing suggest that this variant may disrupt the consensus splice site. In summary, the available evidence is currently insufficient to determine the role of this variant in disease. Therefore, it has been classified as a Variant of Uncertain Significance.

Ambry Genetics
Classification: Uncertain significance for Cardiovascular phenotype; Hereditary cancer-predisposing syndrome. Last evaluated: 2023-09-30. Review status: criteria provided, single submitter. Criteria: Ambry Variant Classification Scheme 2023. Collection method: clinical testing. Allele origin: germline.
Comment: The c.1614A>G variant (also known as p.K538K), located in coding exon 14 of the LZTR1 gene, results from an A to G substitution at nucleotide position 1614. This nucleotide substitution does not change the lysine at codon 538. This nucleotide position is highly conserved in available vertebrate species. In silico splice site analysis predicts that this alteration will weaken the native splice donor site and will result in the creation or strengthening of a novel splice donor site; however, direct evidence is insufficient at this time (Ambry internal data). Since supporting evidence is limited at this time, the clinical significance of this alteration remains unclear.